The following is an entry in ClinVar:

ClinVar aggregate classification (germline): Benign/Likely benign. Review status: criteria provided, multiple submitters, no conflicts (2 of 4 stars). 6 submissions from 6 submitters: Benign (1); Likely benign (5). Last evaluated 2025-11-17.

Conditions:
Juvenile polyposis syndrome (JPS). Identifiers: Orphanet 2929, MedGen C0345893, MONDO:0017380, OMIM 174900.
Hereditary cancer-predisposing syndrome. Also called: Neoplastic Syndromes, Hereditary; Hereditary neoplastic syndrome; Tumor predisposition; Hereditary Cancer Syndrome. Identifiers: Orphanet 140162, MedGen C0027672, MeSH D009386, MONDO:0015356.

Allele frequency attached by ClinVar (database versions not stated): gnomAD exomes below 0.00001; ExAC 0.00001.
gnomAD v4.1: 5 of 1,614,250 alleles (0.00031%); highest among the groups gnomAD compares: Middle Eastern, 0.017%; no homozygotes.

Submissions (6):

Labcorp Genetics (formerly Invitae), Labcorp
Classification: Likely benign for Juvenile polyposis syndrome. Last evaluated: 2025-11-17. Review status: criteria provided, single submitter. Criteria: Invitae Variant Classification Sherloc (09022015). Collection method: clinical testing. Allele origin: germline.

Myriad Genetics, Inc.
Classification: Benign for Juvenile polyposis syndrome. Last evaluated: 2024-08-08. Review status: criteria provided, single submitter. Criteria: Myriad Autosomal Dominant, Autosomal Recessive and X-Linked Classification Criteria (2023). Collection method: clinical testing. Allele origin: unknown.
Comment: This variant is considered benign. This variant is a silent/synonymous amino acid change and it is not expected to impact splicing.

All of Us Research Program, National Institutes of Health
Classification: Likely benign for Juvenile polyposis syndrome. Last evaluated: 2023-11-30. Review status: criteria provided, single submitter. Criteria: ACMG Guidelines, 2015. Collection method: clinical testing. Allele origin: germline. Inheritance: Autosomal dominant inheritance. Observed: 2 variant alleles, 2 heterozygotes.
Comment: This study involves interpretation of variants in research participants for the purpose of population health screening. Participant phenotype was not available at the time of variant classification. Additional details can be found in publication PMID: 35346344, PMCID: PMC8962531

Quest Diagnostics Nichols Institute San Juan Capistrano
Classification: Likely benign. Last evaluated: 2023-05-19. Review status: criteria provided, single submitter. Criteria: Quest Diagnostics criteria. Collection method: clinical testing. Allele origin: unknown.

Color Diagnostics, LLC DBA Color Health
Classification: Likely benign for Hereditary cancer-predisposing syndrome. Last evaluated: 2019-01-22. Review status: criteria provided, single submitter. Criteria: ACMG Guidelines, 2015. Collection method: clinical testing. Allele origin: germline.

Ambry Genetics
Classification: Likely benign for Hereditary cancer-predisposing syndrome. Last evaluated: 2015-11-05. Review status: criteria provided, single submitter. Criteria: Ambry Variant Classification Scheme 2023. Collection method: clinical testing. Allele origin: germline.

NM_004329.3(BMPR1A):c.1539A>T (p.Thr513=)

Gene: BMPR1A (bone morphogenetic protein receptor type 1A; plus strand). Cytogenetic location: 10q23.2.
Variant type: single nucleotide variant.
Coding change: c.1539A>T on transcript NM_004329.3 (MANE Select); coding-DNA position 1539, A replaced by T.
Protein change: p.Thr513=; no amino-acid change (threonine 513 retained).
Molecular consequence: synonymous variant.
Genome position (GRCh38, 1-based): chr10:86,923,659, A>T. VCF-style: chr10-86923659-A-T. GRCh37 (hg19) VCF-style: chr10-88683416-A-T.
Identifiers: ClinVar variation 772112 (VCV000772112.18), dbSNP rs780244868, ClinGen allele CA5585747.